The following is an entry in ClinVar:

ClinVar aggregate classification (germline): Uncertain significance. Review status: criteria provided, multiple submitters, no conflicts (2 of 4 stars). 2 submissions from 2 submitters: Uncertain significance (2). Last evaluated 2023-03-23.

Conditions:
MEGF10-related myopathy (CMYO10A). Also called: Congenital myopathy 10A, severe variant. Identifiers: Orphanet 439212, MedGen C3280679, MONDO:0013731, OMIM 614399.

Allele frequency attached by ClinVar (database versions not stated): TOPMed below 0.00001; gnomAD 0.00001.
gnomAD v4.1: 3 of 1,605,140 alleles (0.00019%); highest among the groups gnomAD compares: Non-Finnish European, 0.00026%; no homozygotes.

Submissions (2):

Mayo Clinic Laboratories, Mayo Clinic
Classification: Uncertain significance. Last evaluated: 2023-03-23. Review status: criteria provided, single submitter. Criteria: ACMG Guidelines, 2015. Collection method: clinical testing. Allele origin: germline. Observed: 1 variant allele.
Comment: PM2

Labcorp Genetics (formerly Invitae), Labcorp
Classification: Uncertain significance for MEGF10-related myopathy. Last evaluated: 2021-09-01. Review status: criteria provided, single submitter. Criteria: Invitae Variant Classification Sherloc (09022015). Collection method: clinical testing. Allele origin: germline.
Comment: This sequence change replaces cysteine with tryptophan at codon 611 of the MEGF10 protein (p.Cys611Trp). The cysteine residue is highly conserved and there is a large physicochemical difference between cysteine and tryptophan. This variant is not present in population databases (ExAC no frequency). This missense change has been observed in individual(s) with multiminicore disease (PMID: 26802438). It has also been observed to segregate with disease in related individuals. Algorithms developed to predict the effect of missense changes on protein structure and function (SIFT, PolyPhen-2, Align-GVGD) all suggest that this variant is likely to be disruptive. In summary, the available evidence is currently insufficient to determine the role of this variant in disease. Therefore, it has been classified as a Variant of Uncertain Significance.

Literature cited by the submitters: PubMed 26802438 (cited by Mayo Clinic Laboratories, Mayo Clinic and Labcorp Genetics (formerly Invitae), Labcorp); PubMed 35370044 (cited by Mayo Clinic Laboratories, Mayo Clinic).

NM_001256545.2(MEGF10):c.1833T>G (p.Cys611Trp)

Gene: MEGF10 (multiple EGF like domains 10; plus strand). Cytogenetic location: 5q23.2.
Variant type: single nucleotide variant.
Coding change: c.1833T>G on transcript NM_001256545.2 (MANE Select); coding-DNA position 1833, T replaced by G.
Protein change: p.Cys611Trp; replaces cysteine 611 with tryptophan.
Molecular consequence: missense variant.
Genome position (GRCh38, 1-based): chr5:127,433,502, T>G. VCF-style: chr5-127433502-T-G. GRCh37 (hg19) VCF-style: chr5-126769194-T-G.
Other names: p.Cys611Trp; c.1833T>G, p.Cys611Trp (NM_032446.3); short protein forms C611W.
Identifiers: ClinVar variation 939687 (VCV000939687.7), dbSNP rs1765456920, ClinGen allele CA360731700.
Genomic context (GRCh38, chr5:127,433,502, plus strand): 5'-TTCATGCTCCCCTGATGATGGCATCTGCGAGTGTGCACCAGGCTTCCGAGGCACCACTTG[T>G]CAGAGGAGTAAGTGTCTCATTAGGCAGTAATTTCCACCTTCCCTTCCCTGGGCACCATGT-3'
Protein context (NP_001243474.1, residues 601-621): ECAPGFRGTT[Cys611Trp]QRICSPGFYG